The following is an entry in ClinVar:

ClinVar aggregate classification (germline): Likely pathogenic (0 of 4 stars; one submission).

Conditions:
NIPBL-related disorder. Also called: NIPBL-related condition.

gnomAD v4.1: 3 of 1,613,990 alleles (0.00019%); highest among the groups gnomAD compares: Non-Finnish European, 0.00025%; no homozygotes.

Submission:

PreventionGenetics, part of Exact Sciences
Classification: Likely pathogenic for NIPBL-related condition. Last evaluated: 2024-05-08. Review status: no assertion criteria provided. Collection method: clinical testing. Allele origin: germline.
Comment: The NIPBL c.5201C>T variant is predicted to result in the amino acid substitution p.Thr1734Ile. To our knowledge, this variant has not been reported in the literature or in a large population database, indicating this variant is rare. This variant is interpreted as likely pathogenic.

NM_133433.4(NIPBL):c.5201C>T (p.Thr1734Ile)

Gene: NIPBL (NIPBL cohesin loading factor; plus strand). Cytogenetic location: 5p13.2.
Variant type: single nucleotide variant.
Coding change: c.5201C>T on transcript NM_133433.4 (MANE Select); coding-DNA position 5201, C replaced by T.
Protein change: p.Thr1734Ile; replaces threonine 1734 with isoleucine.
Molecular consequence: missense variant.
Genome position (GRCh38, 1-based): chr5:37,020,649, C>T. VCF-style: chr5-37020649-C-T. GRCh37 (hg19) VCF-style: chr5-37020751-C-T.
Other names: c.5201C>T, p.Thr1734Ile (NM_015384.5); short protein forms T1734I.
Identifiers: ClinVar variation 3354150 (VCV003354150.1).